The following is an entry in ClinVar:

NM_182493.3(MYLK3):c.1018C>T (p.Gln340Ter)

Gene: MYLK3 (myosin light chain kinase 3; minus strand). Cytogenetic location: 16q11.2.
Variant type: single nucleotide variant.
Coding change: c.1018C>T on transcript NM_182493.3 (MANE Select); coding-DNA position 1018, C replaced by T.
Protein change: p.Gln340Ter; replaces glutamine 340 with a stop codon.
Molecular consequence: nonsense. On other transcripts: 5 prime UTR variant (1).
Genome position (GRCh38, 1-based): chr16:46,732,652, G>A on the plus strand (C>T on the coding strand, the complement: MYLK3 is on the minus strand). VCF-style: chr16-46732652-G-A. GRCh37 (hg19) VCF-style: chr16-46766564-G-A.
Other names: c.-6C>T (NM_001308301.1); short protein forms Q340*.
Identifiers: ClinVar variation 4773699 (VCV004773699.1).

ClinVar aggregate classification (germline): Uncertain significance (1 of 4 stars; one submission).

gnomAD v4.1: 3 of 1,523,056 alleles (0.0002%); highest among the groups gnomAD compares: East Asian, 0.0023%; no homozygotes.

Submission:

Labcorp Genetics (formerly Invitae), Labcorp
Classification: Uncertain significance. Last evaluated: 2025-10-04. Review status: criteria provided, single submitter. Criteria: Invitae Variant Classification Sherloc (09022015). Collection method: clinical testing. Allele origin: germline.
Comment: This sequence change creates a premature translational stop signal (p.Gln340*) in the MYLK3 gene. It is expected to result in an absent or disrupted protein product. However, the current clinical and genetic evidence is not sufficient to establish whether loss-of-function variants in MYLK3 cause disease. This variant is present in population databases (no rsID available, gnomAD 0.007%). This variant has not been reported in the literature in individuals affected with MYLK3-related conditions. In summary, the available evidence is currently insufficient to determine the role of this variant in disease. Therefore, it has been classified as a Variant of Uncertain Significance.